The following is an entry in ClinVar:

ClinVar aggregate classification (germline): Uncertain significance (1 of 4 stars; one submission).

Conditions:
Charcot-Marie-Tooth disease axonal type 2Z. Also called: CHARCOT-MARIE-TOOTH DISEASE, AXONAL, AUTOSOMAL DOMINANT, TYPE 2Z; CHARCOT-MARIE-TOOTH NEUROPATHY, TYPE 2Z. Identifiers: Orphanet 466768, MedGen C5569025, MONDO:0014736, OMIM 616688.

Allele frequency attached by ClinVar (database versions not stated): TOPMed below 0.00001.
gnomAD v4.1: 3 of 1,613,958 alleles (0.00019%); highest among the groups gnomAD compares: Non-Finnish European, 0.00017%; no homozygotes.

Submission:

Labcorp Genetics (formerly Invitae), Labcorp
Classification: Uncertain significance for Charcot-Marie-Tooth disease axonal type 2Z. Last evaluated: 2022-08-08. Review status: criteria provided, single submitter. Criteria: Invitae Variant Classification Sherloc (09022015). Collection method: clinical testing. Allele origin: germline.
Comment: In summary, the available evidence is currently insufficient to determine the role of this variant in disease. Therefore, it has been classified as a Variant of Uncertain Significance. Advanced modeling of protein sequence and biophysical properties (such as structural, functional, and spatial information, amino acid conservation, physicochemical variation, residue mobility, and thermodynamic stability) performed at Invitae indicates that this missense variant is not expected to disrupt MORC2 protein function. This variant has not been reported in the literature in individuals affected with MORC2-related conditions. This variant is not present in population databases (gnomAD no frequency). This sequence change replaces alanine, which is neutral and non-polar, with threonine, which is neutral and polar, at codon 658 of the MORC2 protein (p.Ala658Thr).

NM_001303256.3(MORC2):c.1972G>A (p.Ala658Thr)

Gene: MORC2 (MORC family CW-type zinc finger 2; minus strand). Cytogenetic location: 22q12.2.
Variant type: single nucleotide variant.
Coding change: c.1972G>A on transcript NM_001303256.3 (MANE Select); coding-DNA position 1972, G replaced by A.
Protein change: p.Ala658Thr; replaces alanine 658 with threonine.
Molecular consequence: missense variant.
Genome position (GRCh38, 1-based): chr22:30,935,002, C>T on the plus strand (G>A on the coding strand, the complement: MORC2 is on the minus strand). VCF-style: chr22-30935002-C-T. GRCh37 (hg19) VCF-style: chr22-31330989-C-T.
Other names: c.1972G>A, p.Ala658Thr (NM_001303257.2); c.1786G>A, p.Ala596Thr (NM_014941.3); short protein forms A596T, A658T.
Identifiers: ClinVar variation 2063463 (VCV002063463.4), dbSNP rs1025079681, ClinGen allele CA323271400.
Genomic context (GRCh38, chr22:30,935,002, plus strand): 5'-CAGGCTTTCGGGGTGCCTCAGGTGGCTGGAGCAGCCTAGATGTGCTGGCCTCCTCCCGGG[C>T]TGCCAAAGCAGGGAGCTTTGGGGTACTGCTGATGACAGGAGCCTTTCGGGGCTGGCTGGC-3'
Protein context (NP_001290185.1, residues 648-668): SSTPKLPALA[Ala658Thr]REEASTSRLL